The following is an entry in ClinVar:

NM_018367.7(ACER3):c.10G>A (p.Ala4Thr)

Genes: ACER3 (alkaline ceramidase 3; plus strand), LOC130006476 (ATAC-STARR-seq lymphoblastoid silent region 3792; plus strand). Cytogenetic location: 11q13.5.
Variant type: single nucleotide variant.
Coding change: c.10G>A on transcript NM_018367.7 (MANE Select); coding-DNA position 10, G replaced by A.
Protein change: p.Ala4Thr; replaces alanine 4 with threonine.
Molecular consequence: missense variant. On other transcripts: 5 prime UTR variant (2).
Genome position (GRCh38, 1-based): chr11:76,860,986, G>A. VCF-style: chr11-76860986-G-A. GRCh37 (hg19) VCF-style: chr11-76572030-G-A.
Other names: c.10G>A, p.Ala4Thr (NM_001300953.2); c.-347G>A (NM_001300954.2); c.-223G>A (NM_001300955.2); c.10G>A (NM_018367.5); short protein forms A4T.
Identifiers: ClinVar variation 1478169 (VCV001478169.8), dbSNP rs746227737, ClinGen allele CA6195534.

ClinVar aggregate classification (germline): Uncertain significance. Review status: criteria provided, multiple submitters, no conflicts (2 of 4 stars). 2 submissions from 2 submitters: Uncertain significance (2). Last evaluated 2025-02-24.

Allele frequency attached by ClinVar (database versions not stated): ExAC 0.00006; gnomAD exomes 0.00019 and 0.00028; TOPMed 0.00026; gnomAD 0.00034 and 0.00036.
gnomAD v4.1: 433 of 1,538,548 alleles (0.028%); highest among the groups gnomAD compares: Admixed American, 0.067%; 1 homozygote.

Submissions (2):

Labcorp Genetics (formerly Invitae), Labcorp
Classification: Uncertain significance. Last evaluated: 2025-02-24. Review status: criteria provided, single submitter. Criteria: Invitae Variant Classification Sherloc (09022015). Collection method: clinical testing. Allele origin: germline.
Comment: This sequence change replaces alanine, which is neutral and non-polar, with threonine, which is neutral and polar, at codon 4 of the ACER3 protein (p.Ala4Thr). This variant is present in population databases (rs746227737, gnomAD 0.04%). This variant has not been reported in the literature in individuals affected with ACER3-related conditions. ClinVar contains an entry for this variant (Variation ID: 1478169). An algorithm developed to predict the effect of missense changes on protein structure and function (PolyPhen-2) suggests that this variant is likely to be tolerated. In summary, the available evidence is currently insufficient to determine the role of this variant in disease. Therefore, it has been classified as a Variant of Uncertain Significance.

Ambry Genetics
Classification: Uncertain significance. Last evaluated: 2025-02-10. Review status: criteria provided, single submitter. Criteria: Ambry Variant Classification Scheme 2023. Collection method: clinical testing. Allele origin: germline.